The following is an entry in ClinVar:

ClinVar aggregate classification (germline): Uncertain significance. Review status: criteria provided, multiple submitters, no conflicts (2 of 4 stars). 2 submissions from 2 submitters: Uncertain significance (2). Last evaluated 2026-07-07.

Conditions:
Hereditary cancer-predisposing syndrome. Also called: Hereditary Cancer Syndrome; Neoplastic Syndromes, Hereditary; Hereditary neoplastic syndrome; Tumor predisposition. Identifiers: Orphanet 140162, MedGen C0027672, MeSH D009386, MONDO:0015356.
EGFR-related lung cancer (EGFR). Identifiers: MedGen CN130014.

Allele frequency attached by ClinVar (database versions not stated): TOPMed below 0.00001.

Submissions (2):

Ambry Genetics
Classification: Uncertain significance for Hereditary cancer-predisposing syndrome. Last evaluated: 2026-07-07. Review status: criteria provided, single submitter. Criteria: Ambry Variant Classification Scheme 2023. Collection method: clinical testing. Allele origin: germline.
Comment: The p.M952T variant (also known as c.2855T>C), located in coding exon 24 of the EGFR gene, results from a T to C substitution at nucleotide position 2855. The methionine at codon 952 is replaced by threonine, an amino acid with similar properties. This amino acid position is conserved. In addition, this alteration is predicted to be deleterious by in silico analysis. Based on the available evidence, the clinical significance of this variant remains unclear.

Labcorp Genetics (formerly Invitae), Labcorp
Classification: Uncertain significance for EGFR-related lung cancer. Last evaluated: 2023-01-31. Review status: criteria provided, single submitter. Criteria: Invitae Variant Classification Sherloc (09022015). Collection method: clinical testing. Allele origin: germline.
Comment: This variant is not present in population databases (gnomAD no frequency). In summary, the available evidence is currently insufficient to determine the role of this variant in disease. Therefore, it has been classified as a Variant of Uncertain Significance. Advanced modeling of protein sequence and biophysical properties (such as structural, functional, and spatial information, amino acid conservation, physicochemical variation, residue mobility, and thermodynamic stability) has been performed at Invitae for this missense variant, however the output from this modeling did not meet the statistical confidence thresholds required to predict the impact of this variant on EGFR protein function. ClinVar contains an entry for this variant (Variation ID: 1364569). This variant has not been reported in the literature in individuals affected with EGFR-related conditions. This sequence change replaces methionine, which is neutral and non-polar, with threonine, which is neutral and polar, at codon 952 of the EGFR protein (p.Met952Thr).

NM_005228.5(EGFR):c.2855T>C (p.Met952Thr)

Gene: EGFR (epidermal growth factor receptor; plus strand). Cytogenetic location: 7p11.2.
Variant type: single nucleotide variant.
Coding change: c.2855T>C on transcript NM_005228.5 (MANE Select); coding-DNA position 2855, T replaced by C.
Protein change: p.Met952Thr; replaces methionine 952 with threonine.
Molecular consequence: missense variant.
Genome position (GRCh38, 1-based): chr7:55,200,322, T>C. VCF-style: chr7-55200322-T-C. GRCh37 (hg19) VCF-style: chr7-55268015-T-C.
Other names: c.2720T>C, p.Met907Thr (NM_001346897.2, NM_001346899.2); c.2855T>C, p.Met952Thr (NM_001346898.2); c.2696T>C, p.Met899Thr (NM_001346900.2); c.2054T>C, p.Met685Thr (NM_001346941.2); c.2855T>C (NM_005228.3); short protein forms M899T, M907T, M685T, M952T.
Identifiers: ClinVar variation 1364569 (VCV001364569.9), dbSNP rs1787789927, ClinGen allele CA367581687.